The following is an entry in ClinVar:

ClinVar aggregate classification (germline): Uncertain significance (1 of 4 stars; one submission).

Submission:

Women's Health and Genetics/Laboratory Corporation of America, LabCorp
Classification: Uncertain significance. Last evaluated: 2023-06-01. Review status: criteria provided, single submitter. Criteria: LabCorp Variant Classification Summary - May 2015. Collection method: clinical testing. Allele origin: germline.
Comment: Variant summary: HSPD1 c.1679_1687delCAATGGGTG (p.Ala560_Gly562del) results in an in-frame deletion that is predicted to remove 3 amino acids from the encoded protein. The variant allele was found at a frequency of 4e-06 in 246966 control chromosomes. The available data on variant occurrences in the general population are insufficient to allow any conclusion about variant significance. To our knowledge, no occurrence of c.1679_1687delCAATGGGTG in individuals affected with HSPD1-Related Disorders and no experimental evidence demonstrating its impact on protein function have been reported. No clinical diagnostic laboratories have submitted clinical-significance assessments for this variant to ClinVar after 2014. Based on the evidence outlined above, the variant was classified as uncertain significance.

NM_002156.5(HSPD1):c.1679_1687del (p.Ala560_Gly562del)

Gene: HSPD1 (heat shock protein family D (Hsp60) member 1; minus strand). Cytogenetic location: 2q33.1.
Variant type: Deletion.
Coding change: c.1679_1687del on transcript NM_002156.5 (MANE Select); coding-DNA positions 1679 to 1687, 9 bases deleted (CAATGGGTG; older notation c.1679_1687delCAATGGGTG).
Protein change: p.Ala560_Gly562del.
Molecular consequence: inframe deletion.
Genome position (GRCh38, 1-based): chr2:197,487,081-197,487,089, CACCCATTG deleted on the plus strand (CAATGGGTG on the coding strand, the reverse complement: HSPD1 is on the minus strand); deleting any 9 consecutive bases within chr2:197,487,081-197,487,097 gives the same sequence; the c. name uses the placement nearest the transcript's 3' end. VCF-style (leftmost placement, unchanged base first): chr2-197487080-CCACCCATTG-C. GRCh37 (hg19) VCF-style: chr2-198351804-CCACCCATTG-C.
Other names: c.1679_1687del, p.Ala560_Gly562del (NM_199440.2).
Identifiers: ClinVar variation 2573487 (VCV002573487.1), dbSNP rs1347832996, ClinGen allele CA538525932.